The following is an entry in ClinVar:

ClinVar aggregate classification (germline): Conflicting classifications of pathogenicity. Review status: criteria provided, conflicting classifications (1 of 4 stars). 2 submissions from 2 submitters: Uncertain significance (1); Likely benign (1). Last evaluated 2025-10-06.

Allele frequency attached by ClinVar (database versions not stated): TOPMed 0.00010; gnomAD exomes 0.00003; ExAC 0.00004; gnomAD 0.00017; ESP Exome Variant Server 0.00015.
gnomAD v4.1: 73 of 1,613,740 alleles (0.0045%); highest among the groups gnomAD compares: African/African-American, 0.024%; no homozygotes.

Submissions (2):

Mayo Clinic Laboratories, Mayo Clinic
Classification: Uncertain significance. Last evaluated: 2025-10-06. Review status: criteria provided, single submitter. Criteria: ACMG Guidelines, 2015. Collection method: clinical testing. Allele origin: germline. Observed: 1 variant allele.
Comment: BP4_moderate

Ambry Genetics
Classification: Likely benign. Last evaluated: 2024-01-04. Review status: criteria provided, single submitter. Criteria: Ambry Variant Classification Scheme 2023. Collection method: clinical testing. Allele origin: germline.

NM_002666.5(PLIN1):c.1007C>T (p.Ala336Val)

Gene: PLIN1 (perilipin 1; minus strand). Cytogenetic location: 15q26.1.
Variant type: single nucleotide variant.
Coding change: c.1007C>T on transcript NM_002666.5 (MANE Select); coding-DNA position 1007, C replaced by T.
Protein change: p.Ala336Val; replaces alanine 336 with valine.
Molecular consequence: missense variant.
Genome position (GRCh38, 1-based): chr15:89,667,138, G>A on the plus strand (C>T on the coding strand, the complement: PLIN1 is on the minus strand). VCF-style: chr15-89667138-G-A. GRCh37 (hg19) VCF-style: chr15-90210369-G-A.
Other names: p.Ala336Val; c.1007C>T, p.Ala336Val (NM_001145311.2); short protein forms A336V.
Identifiers: ClinVar variation 3215225 (VCV003215225.2), dbSNP rs367976552, ClinGen allele CA7728835.